The following is an entry in ClinVar:

ClinVar aggregate classification (germline): Uncertain significance (1 of 4 stars; one submission).

Conditions:
Granulomatous disease, chronic, autosomal recessive, cytochrome b-positive, type 3. Also called: GRANULOMATOUS DISEASE, CHRONIC, DUE TO NCF4 DEFICIENCY; Granulomatous disease, chronic, autosomal recessive, cytochrome b-positive, type III; GRANULOMATOUS DISEASE, CHRONIC, AUTOSOMAL RECESSIVE, 3; CGD, AUTOSOMAL RECESSIVE CYTOCHROME b-POSITIVE, TYPE III. Identifiers: Orphanet 379, MedGen C3151409, MONDO:0013507, OMIM 613960.

Allele frequency attached by ClinVar (database versions not stated): gnomAD exomes below 0.00001.

Submission:

Labcorp Genetics (formerly Invitae), Labcorp
Classification: Uncertain significance for Granulomatous disease, chronic, autosomal recessive, cytochrome b-positive, type 3. Last evaluated: 2022-05-19. Review status: criteria provided, single submitter. Criteria: Invitae Variant Classification Sherloc (09022015). Collection method: clinical testing. Allele origin: germline.
Comment: This sequence change replaces serine, which is neutral and polar, with cysteine, which is neutral and slightly polar, at codon 281 of the NCF4 protein (p.Ser281Cys). This variant is not present in population databases (gnomAD no frequency). This variant has not been reported in the literature in individuals affected with NCF4-related conditions. Algorithms developed to predict the effect of missense changes on protein structure and function are either unavailable or do not agree on the potential impact of this missense change (SIFT: "Deleterious"; PolyPhen-2: "Possibly Damaging"; Align-GVGD: "Class C0"). In summary, the available evidence is currently insufficient to determine the role of this variant in disease. Therefore, it has been classified as a Variant of Uncertain Significance.

NM_000631.5(NCF4):c.758+84C>G

Gene: NCF4 (neutrophil cytosolic factor 4; plus strand). Cytogenetic location: 22q12.3.
Variant type: single nucleotide variant.
Coding change: c.758+84C>G on transcript NM_000631.5 (MANE Select); 84 bases into the intron after coding-DNA position 758, C replaced by G.
Molecular consequence: intron variant. On other transcripts: missense variant (1).
Genome position (GRCh38, 1-based): chr22:36,875,867, C>G. VCF-style: chr22-36875867-C-G. GRCh37 (hg19) VCF-style: chr22-37271909-C-G.
Other names: c.842C>G, p.Ser281Cys (NM_013416.4); short protein forms S281C.
Identifiers: ClinVar variation 1996324 (VCV001996324.4), dbSNP rs2145727085, ClinGen allele CA411389494.
Genomic context (GRCh38, chr22:36,875,867, plus strand): 5'-CCTGTCCAGCCTTCCTGCCATCCCTACGACCACTGCCCCTCACATCACCTTCTCATGGGT[C>G]CCTCTCCCACTCCAAAGCCCCCAGTGGCTCCCAGATGAGCCACAATGCTGTAACAAGCCA-3'